The following is an entry in ClinVar:

ClinVar aggregate classification (germline): Pathogenic. Review status: criteria provided, multiple submitters, no conflicts (2 of 4 stars). 2 submissions from 2 submitters: Pathogenic (2). Last evaluated 2025-11-26.

Conditions:
Hereditary cancer-predisposing syndrome. Also called: Neoplastic Syndromes, Hereditary; Tumor predisposition; Hereditary neoplastic syndrome; Hereditary Cancer Syndrome. Identifiers: Orphanet 140162, MedGen C0027672, MeSH D009386, MONDO:0015356.
Peutz-Jeghers syndrome (PJS). Also called: POLYPOSIS, HAMARTOMATOUS INTESTINAL; POLYPS-AND-SPOTS SYNDROME; Peutz-Jeghers polyposis; Periorificial lentiginosis syndrome. Identifiers: Orphanet 2869, MedGen C0031269, MeSH D010580, MONDO:0008280, OMIM 175200.

Submissions (2):

Ambry Genetics
Classification: Pathogenic for Hereditary cancer-predisposing syndrome. Last evaluated: 2025-11-26. Review status: criteria provided, single submitter. Criteria: Ambry Variant Classification Scheme 2023. Collection method: clinical testing. Allele origin: germline.
Comment: The c.157dupG pathogenic mutation, located in coding exon 1 of the STK11 gene, results from a duplication of G at nucleotide position 157, causing a translational frameshift with a predicted alternate stop codon (p.D53Gfs*110). This alteration has been detected in multiple individuals with Peutz-Jeghers syndrome (PJS), and was shown to segregate with disease in at least one family (Trojan J et al. Am J Gastroenterol, 1999 Jan;94:257-61; Aretz S et al. Hum Mutat, 2005 Dec;26:513-9; Borun P et al. BMC Med Genet, 2013 May;14:58). This variant is considered to be rare based on population cohorts in the Genome Aggregation Database (gnomAD). This alteration is expected to result in loss of function by premature protein truncation or nonsense-mediated mRNA decay. As such, this alteration is interpreted as a disease-causing mutation.

Labcorp Genetics (formerly Invitae), Labcorp
Classification: Pathogenic for Peutz-Jeghers syndrome. Last evaluated: 2024-07-09. Review status: criteria provided, single submitter. Criteria: Invitae Variant Classification Sherloc (09022015). Collection method: clinical testing. Allele origin: germline.
Comment: This sequence change creates a premature translational stop signal (p.Asp53Glyfs*110) in the STK11 gene. It is expected to result in an absent or disrupted protein product. Loss-of-function variants in STK11 are known to be pathogenic (PMID: 15188174, 16287113). This variant is not present in population databases (gnomAD no frequency). This premature translational stop signal has been observed in individuals with Peutz-Jeghers syndrome (PJS) (PMID: 9934767, 16287113, 23718779). It has also been observed to segregate with disease in related individuals. ClinVar contains an entry for this variant (Variation ID: 527822). For these reasons, this variant has been classified as Pathogenic.

Literature cited by the submitters: PubMed 16287113 (cited by Ambry Genetics and Labcorp Genetics (formerly Invitae), Labcorp); PubMed 23718779 (cited by Ambry Genetics and Labcorp Genetics (formerly Invitae), Labcorp); PubMed 9934767 (cited by Ambry Genetics and Labcorp Genetics (formerly Invitae), Labcorp); PubMed 15188174 (cited by Labcorp Genetics (formerly Invitae), Labcorp).

NM_000455.5(STK11):c.157dup (p.Asp53fs)

Gene: STK11 (serine/threonine kinase 11; plus strand). Cytogenetic location: 19p13.3.
Variant type: Duplication.
Coding change: c.157dup on transcript NM_000455.5 (MANE Select); coding-DNA position 157, one base duplicated (G; older notation c.157dupG).
Protein change: p.Asp53fs; shifts the reading frame from aspartic acid 53.
Molecular consequence: frameshift variant.
Genome position (GRCh38, 1-based): chr19:1,207,070, G duplicated; the last of 5 consecutive G bases (chr19:1,207,066-1,207,070); duplicating any one gives the same sequence. VCF-style (leftmost placement, unchanged base first): chr19-1207065-T-TG. GRCh37 (hg19) VCF-style: chr19-1207064-T-TG.
Other names: c.157dupG (NM_000455.4); short protein forms D53fs.
Identifiers: ClinVar variation 527822 (VCV000527822.15), dbSNP rs1131690917, ClinGen allele CA504706178.